The following is an entry in ClinVar:

NM_182961.4(SYNE1):c.13258C>T (p.Arg4420Ter)

Gene: SYNE1 (spectrin repeat containing nuclear envelope protein 1; minus strand). Cytogenetic location: 6q25.2.
Variant type: single nucleotide variant.
Coding change: c.13258C>T on transcript NM_182961.4 (MANE Select); coding-DNA position 13258, C replaced by T.
Protein change: p.Arg4420Ter; replaces arginine 4420 with a stop codon.
Molecular consequence: nonsense.
Genome position (GRCh38, 1-based): chr6:152,331,427, G>A on the plus strand (C>T on the coding strand, the complement: SYNE1 is on the minus strand). VCF-style: chr6-152331427-G-A. GRCh37 (hg19) VCF-style: chr6-152652562-G-A.
Other names: c.13045C>T, p.Arg4349Ter (NM_033071.5); short protein forms R4349*, R4420*.
Identifiers: ClinVar variation 810020 (VCV000810020.47), dbSNP rs752224921, ClinGen allele CA4056211.

ClinVar aggregate classification (germline): Pathogenic/Likely pathogenic. Review status: criteria provided, multiple submitters, no conflicts (2 of 4 stars). 3 submissions from 3 submitters: Pathogenic (2); Likely pathogenic (1). Last evaluated 2026-06-01.

Conditions:
Autosomal recessive ataxia, Beauce type. Also called: SYNE1-Related Autosomal Recessive Cerebellar Ataxia; ATAXIA, RECESSIVE, OF BEAUCE; SYNE1 Deficiency; Spinocerebellar ataxia, autosomal recessive 8. Identifiers: Orphanet 88644, MedGen C1853116, MONDO:0012549, OMIM 610743.
Emery-Dreifuss muscular dystrophy 4, autosomal dominant (EDMD4). Also called: EMERY-DREIFUSS MUSCULAR DYSTROPHY 4 WITH VARIABLE FEATURES. Identifiers: Orphanet 261, MedGen C2751807, MONDO:0013071, OMIM 612998.

Allele frequency attached by ClinVar (database versions not stated): TOPMed below 0.00001; gnomAD 0.00001; gnomAD exomes 0.00001.
gnomAD v4.1: 7 of 1,613,978 alleles (0.00043%); highest among the groups gnomAD compares: Admixed American, 0.0067%; no homozygotes.

Submissions (3):

CeGaT Center for Human Genetics Tuebingen
Classification: Pathogenic. Last evaluated: 2026-06-01. Review status: criteria provided, single submitter. Criteria: CeGaT Center For Human Genetics Tuebingen Variant Classification Criteria Version 2. Collection method: clinical testing. Allele origin: germline. Affected: yes. Observed: 2 variant alleles.
Comment: SYNE1: PVS1, PM3:Strong, PM2

Labcorp Genetics (formerly Invitae), Labcorp
Classification: Pathogenic for Emery-Dreifuss muscular dystrophy 4, autosomal dominant; Autosomal recessive ataxia, Beauce type. Last evaluated: 2022-12-25. Review status: criteria provided, single submitter. Criteria: Invitae Variant Classification Sherloc (09022015). Collection method: clinical testing. Allele origin: germline.
Comment: This premature translational stop signal has been observed in individual(s) with clinical features of autosomal recessive spinocerebellar ataxia (PMID: 31103315). This sequence change creates a premature translational stop signal (p.Arg4349*) in the SYNE1 gene. It is expected to result in an absent or disrupted protein product. Loss-of-function variants in SYNE1 are known to be pathogenic (PMID: 19542096, 24319099, 27086870). This variant is present in population databases (rs752224921, gnomAD 0.006%). ClinVar contains an entry for this variant (Variation ID: 810020). For these reasons, this variant has been classified as Pathogenic.

Molecular Genetics, Royal Melbourne Hospital
Classification: Likely pathogenic for Autosomal recessive ataxia, Beauce type. Last evaluated: 2020-09-24. Review status: criteria provided, single submitter. Criteria: ACMG Guidelines, 2015. Collection method: clinical testing. Allele origin: germline. Affected: yes.
Comment: This sequence change creates a premature termination codon at position 4420 in exon 78 (of 146) of SYNE1 (p.(Arg4420*)). It is expected to result in nonsense mediated decay, and loss of function is a well-established cause of disease for this gene (PVS1; ClinVar). The variant is present in a large population cohort at a frequency of 0.001%, which is consistent with a recessive condition (PM2; rs752224921, 3/251,406 alleles, 0 homozygotes in gnomAD v2.1). The variant has been reported as likely pathogenic in ClinVar, with no other clinical information. Based on the classification scheme RMH ACMG Guidelines v1.2.1, this variant is classified as LIKELY PATHOGENIC. Following criteria are met: PVS1, PM2.

Literature cited by the submitters: PubMed 31103315 (cited by Labcorp Genetics (formerly Invitae), Labcorp); PubMed 19542096 (cited by Labcorp Genetics (formerly Invitae), Labcorp); PubMed 24319099 (cited by Labcorp Genetics (formerly Invitae), Labcorp); PubMed 27086870 (cited by Labcorp Genetics (formerly Invitae), Labcorp).